The following is an entry in ClinVar:

ClinVar aggregate classification (germline): Uncertain significance (1 of 4 stars; one submission).

gnomAD v4.1: 3 of 1,613,668 alleles (0.00019%); highest among the groups gnomAD compares: Admixed American, 0.005%; no homozygotes.

Submission:

Ambry Genetics
Classification: Uncertain significance. Last evaluated: 2026-09-02. Review status: criteria provided, single submitter. Criteria: Ambry Variant Classification Scheme 2023. Collection method: clinical testing. Allele origin: germline.
Comment: The c.2134G>A (p.A712T) alteration is located in exon 20 (coding exon 19) of the OSBPL8 gene. This alteration results from a G to A substitution at nucleotide position 2134, causing the alanine (A) at amino acid position 712 to be replaced by a threonine (T). Based on data from gnomAD, the A allele has an overall frequency of 0.001% (2/251070) total alleles studied. The highest observed frequency was 0.006% (2/34462) of Latino alleles. Based on insufficient or conflicting evidence, the clinical significance of this alteration remains unclear.

NM_020841.5(OSBPL8):c.2134G>A (p.Ala712Thr)

Gene: OSBPL8 (oxysterol binding protein like 8; minus strand). Cytogenetic location: 12q21.2.
Variant type: single nucleotide variant.
Coding change: c.2134G>A on transcript NM_020841.5 (MANE Select); coding-DNA position 2134, G replaced by A.
Protein change: p.Ala712Thr; replaces alanine 712 with threonine.
Molecular consequence: missense variant.
Genome position (GRCh38, 1-based): chr12:76,369,743, C>T on the plus strand (G>A on the coding strand, the complement: OSBPL8 is on the minus strand). VCF-style: chr12-76369743-C-T. GRCh37 (hg19) VCF-style: chr12-76763523-C-T.
Other names: c.2008G>A, p.Ala670Thr (NM_001003712.2, NM_001319652.2); c.2125G>A, p.Ala709Thr (NM_001319653.2); c.2059G>A, p.Ala687Thr (NM_001319655.2); short protein forms A670T, A709T, A712T, A687T.
Identifiers: ClinVar variation 5026106 (VCV005026106.1).